The following is an entry in ClinVar:

NM_001126108.2(SLC12A3):c.40A>T (p.Thr14Ser)

Gene: SLC12A3 (solute carrier family 12 member 3; plus strand). Cytogenetic location: 16q13.
Variant type: single nucleotide variant.
Coding change: c.40A>T on transcript NM_001126108.2 (MANE Select); coding-DNA position 40, A replaced by T.
Protein change: p.Thr14Ser; replaces threonine 14 with serine.
Molecular consequence: missense variant.
Genome position (GRCh38, 1-based): chr16:56,865,275, A>T. VCF-style: chr16-56865275-A-T. GRCh37 (hg19) VCF-style: chr16-56899187-A-T.
Other names: c.40A>T, p.Thr14Ser (NM_000339.3, NM_001126107.2); short protein forms T14S.
Identifiers: ClinVar variation 887301 (VCV000887301.8), dbSNP rs1964322979, ClinGen allele CA395976105.
Genomic context (GRCh38, chr16:56,865,275, plus strand): 5'-TCCCTGGACACCCAGGCGACAATGGCAGAACTGCCCACAACAGAGACGCCTGGGGACGCC[A>T]CTTTGTGCAGCGGGCGCTTCACCATCAGCACACTGCTGAGCAGTGATGAGCCCTCTCCAC-3'
Protein context (NP_001119580.2, residues 4-24): LPTTETPGDA[Thr14Ser]LCSGRFTIST

ClinVar aggregate classification (germline): Uncertain significance. Review status: criteria provided, multiple submitters, no conflicts (2 of 4 stars). 3 submissions from 3 submitters: Uncertain significance (3). Last evaluated 2024-10-24.

Conditions:
Familial hypokalemia-hypomagnesemia (GTLMNS). Also called: HYPOMAGNESEMIA-HYPOKALEMIA, PRIMARY RENOTUBULAR, WITH HYPOCALCIURIA; POTASSIUM AND MAGNESIUM DEPLETION; gitelman syndrome. Identifiers: Orphanet 358, MedGen C0268450, MONDO:0009904, OMIM 263800.

Allele frequency attached by ClinVar (database versions not stated): gnomAD exomes 0.00001.
gnomAD v4.1: 10 of 1,613,916 alleles (0.00062%); highest among the groups gnomAD compares: Non-Finnish European, 0.00085%; no homozygotes.

Submissions (3):

Labcorp Genetics (formerly Invitae), Labcorp
Classification: Uncertain significance. Last evaluated: 2024-10-24. Review status: criteria provided, single submitter. Criteria: Invitae Variant Classification Sherloc (09022015). Collection method: clinical testing. Allele origin: germline.
Comment: This sequence change replaces threonine, which is neutral and polar, with serine, which is neutral and polar, at codon 14 of the SLC12A3 protein (p.Thr14Ser). This variant is not present in population databases (gnomAD no frequency). This variant has not been reported in the literature in individuals affected with SLC12A3-related conditions. ClinVar contains an entry for this variant (Variation ID: 887301). Invitae Evidence Modeling of protein sequence and biophysical properties (such as structural, functional, and spatial information, amino acid conservation, physicochemical variation, residue mobility, and thermodynamic stability) indicates that this missense variant is not expected to disrupt SLC12A3 protein function with a negative predictive value of 95%. In summary, the available evidence is currently insufficient to determine the role of this variant in disease. Therefore, it has been classified as a Variant of Uncertain Significance.

Fulgent Genetics
Classification: Uncertain significance for Familial hypokalemia-hypomagnesemia. Last evaluated: 2024-06-13. Review status: criteria provided, single submitter. Criteria: ACMG Guidelines, 2015. Collection method: clinical testing. Allele origin: germline.

Illumina Laboratory Services, Illumina
Classification: Uncertain significance for Familial hypokalemia-hypomagnesemia. Last evaluated: 2018-01-13. Review status: criteria provided, single submitter. Criteria: ICSL Variant Classification Criteria 13 December 2019. Collection method: clinical testing. Allele origin: germline.